The following is an entry in ClinVar:

ClinVar aggregate classification (germline): Uncertain significance. Review status: criteria provided, multiple submitters, no conflicts (2 of 4 stars). 2 submissions from 2 submitters: Uncertain significance (2). Last evaluated 2026-04-02.

Conditions:
Hereditary cancer-predisposing syndrome. Also called: Hereditary neoplastic syndrome; Neoplastic Syndromes, Hereditary; Tumor predisposition; Hereditary Cancer Syndrome. Identifiers: Orphanet 140162, MedGen C0027672, MeSH D009386, MONDO:0015356.
Familial cancer of breast. Also called: BREAST CANCER, FAMILIAL; Hereditary breast cancer; hereditary breast carcinoma. Identifiers: Orphanet 227535, MedGen C0346153, MONDO:0016419, OMIM 114480. Disease mechanism: loss of function.

Submissions (2):

Ambry Genetics
Classification: Uncertain significance for Hereditary cancer-predisposing syndrome. Last evaluated: 2026-04-02. Review status: criteria provided, single submitter. Criteria: Ambry Variant Classification Scheme 2023. Collection method: clinical testing. Allele origin: germline.
Comment: The p.W411R variant (also known as c.1231T>C), located in coding exon 10 of the CHEK2 gene, results from a T to C substitution at nucleotide position 1231. The tryptophan at codon 411 is replaced by arginine, an amino acid with dissimilar properties. This amino acid position is conserved. In addition, this alteration is predicted to be deleterious by in silico analysis. Based on the available evidence, the clinical significance of this variant remains unclear.

Labcorp Genetics (formerly Invitae), Labcorp
Classification: Uncertain significance for Familial cancer of breast. Last evaluated: 2022-10-31. Review status: criteria provided, single submitter. Criteria: Invitae Variant Classification Sherloc (09022015). Collection method: clinical testing. Allele origin: germline.
Comment: In summary, the available evidence is currently insufficient to determine the role of this variant in disease. Therefore, it has been classified as a Variant of Uncertain Significance. Algorithms developed to predict the effect of missense changes on protein structure and function are either unavailable or do not agree on the potential impact of this missense change (SIFT: "Deleterious"; PolyPhen-2: "Probably Damaging"; Align-GVGD: "Class C0"). ClinVar contains an entry for this variant (Variation ID: 1054507). This variant has not been reported in the literature in individuals affected with CHEK2-related conditions. This variant is not present in population databases (gnomAD no frequency). This sequence change replaces tryptophan, which is neutral and slightly polar, with arginine, which is basic and polar, at codon 411 of the CHEK2 protein (p.Trp411Arg).

NM_007194.4(CHEK2):c.1231T>C (p.Trp411Arg)

Gene: CHEK2 (checkpoint kinase 2; minus strand). Cytogenetic location: 22q12.1.
Variant type: single nucleotide variant.
Coding change: c.1231T>C on transcript NM_007194.4 (MANE Select); coding-DNA position 1231, T replaced by C.
Protein change: p.Trp411Arg; replaces tryptophan 411 with arginine.
Molecular consequence: missense variant.
Genome position (GRCh38, 1-based): chr22:28,695,738, A>G on the plus strand (T>C on the coding strand, the complement: CHEK2 is on the minus strand). VCF-style: chr22-28695738-A-G. GRCh37 (hg19) VCF-style: chr22-29091726-A-G.
Other names: c.1231T>C (NM_007194.3); c.1360T>C, p.Trp454Arg (NM_001005735.3); c.568T>C, p.Trp190Arg (NM_001257387.3); c.1030T>C, p.Trp344Arg (NM_001349956.3); c.1144T>C, p.Trp382Arg (NM_145862.3); short protein forms W190R, W344R, W382R, W411R, W454R.
Identifiers: ClinVar variation 1054507 (VCV001054507.11), dbSNP rs587780172, ClinGen allele CA411096647.